The following is an entry in ClinVar:

ClinVar aggregate classification (germline): Uncertain significance (1 of 4 stars; one submission).

Conditions:
Charcot-Marie-Tooth disease type 2. Also called: Charcot-Marie-Tooth type 2. Identifiers: Orphanet 64746, MedGen C0270914, MONDO:0018993.

Allele frequency attached by ClinVar (database versions not stated): gnomAD 0.00001; ExAC 0.00002; TOPMed 0.00004; gnomAD exomes 0.00006.
gnomAD v4.1: 15 of 1,613,490 alleles (0.00093%); highest among the groups gnomAD compares: Admixed American, 0.025%; no homozygotes.

Submission:

Labcorp Genetics (formerly Invitae), Labcorp
Classification: Uncertain significance for Charcot-Marie-Tooth disease type 2. Last evaluated: 2024-11-05. Review status: criteria provided, single submitter. Criteria: Invitae Variant Classification Sherloc (09022015). Collection method: clinical testing. Allele origin: germline.
Comment: This sequence change replaces lysine, which is basic and polar, with isoleucine, which is neutral and non-polar, at codon 224 of the GARS protein (p.Lys224Ile). This variant is present in population databases (rs756641901, gnomAD 0.04%). This variant has not been reported in the literature in individuals affected with GARS-related conditions. ClinVar contains an entry for this variant (Variation ID: 949695). Invitae Evidence Modeling of protein sequence and biophysical properties (such as structural, functional, and spatial information, amino acid conservation, physicochemical variation, residue mobility, and thermodynamic stability) indicates that this missense variant is not expected to disrupt GARS protein function with a negative predictive value of 80%. In summary, the available evidence is currently insufficient to determine the role of this variant in disease. Therefore, it has been classified as a Variant of Uncertain Significance.

NM_002047.4(GARS1):c.671A>T (p.Lys224Ile)

Gene: GARS1 (glycyl-tRNA synthetase 1; plus strand). Cytogenetic location: 7p14.3.
Variant type: single nucleotide variant.
Coding change: c.671A>T on transcript NM_002047.4 (MANE Select); coding-DNA position 671, A replaced by T.
Protein change: p.Lys224Ile; replaces lysine 224 with isoleucine.
Molecular consequence: missense variant.
Genome position (GRCh38, 1-based): chr7:30,603,508, A>T. VCF-style: chr7-30603508-A-T. GRCh37 (hg19) VCF-style: chr7-30643124-A-T.
Other names: c.509A>T, p.Lys170Ile (NM_001316772.1); short protein forms K224I, K170I.
Identifiers: ClinVar variation 949695 (VCV000949695.9), dbSNP rs756641901, ClinGen allele CA4205778.